The following is an entry in ClinVar:

ClinVar aggregate classification (germline): Conflicting classifications of pathogenicity. Review status: criteria provided, conflicting classifications (1 of 4 stars). 6 submissions from 6 submitters: Uncertain significance (1); Benign (1); Likely benign (3). 1 of the submissions does not count toward it. Last evaluated 2025-06-12.

Conditions:
CENPJ-related disorder. Also called: CENPJ-related condition; CENPJ-related disorders.
Microcephaly 6, primary, autosomal recessive. Identifiers: Orphanet 2512, MedGen C1842109, MONDO:0012029, OMIM 608393.

Allele frequency attached by ClinVar (database versions not stated): gnomAD exomes 0.00011 and 0.00032; ExAC 0.00041; 1000 Genomes Project 0.00140; gnomAD 0.00148 and 0.00157; TOPMed 0.00151; 1000 Genomes Project 30x 0.00187; ESP Exome Variant Server 0.00200.
gnomAD v4.1: 387 of 1,614,238 alleles (0.024%); highest among the groups gnomAD compares: African/African-American, 0.47%; 1 homozygote.

Submissions (6):

Labcorp Genetics (formerly Invitae), Labcorp
Classification: Likely benign. Last evaluated: 2025-06-12. Review status: criteria provided, single submitter. Criteria: Invitae Variant Classification Sherloc (09022015). Collection method: clinical testing. Allele origin: germline.

GeneDx
Classification: Likely benign. Last evaluated: 2020-10-14. Review status: criteria provided, single submitter. Criteria: GeneDx Variant Classification Process June 2021. Collection method: clinical testing. Allele origin: germline. Affected: yes.

Athena Diagnostics
Classification: Benign. Last evaluated: 2019-11-08. Review status: criteria provided, single submitter. Criteria: Athena Diagnostics Criteria. Collection method: clinical testing. Allele origin: unknown.

Eurofins Ntd Llc (ga)
Classification: Likely benign. Last evaluated: 2017-06-14. Review status: criteria provided, single submitter. Criteria: EGL Classification Definitions 2015. Collection method: clinical testing. Allele origin: germline. Observed: 3 variant alleles, 3 heterozygotes.

Genetic Services Laboratory, University of Chicago
Classification: Uncertain significance for Microcephaly 6, primary, autosomal recessive. Last evaluated: 2013-02-08. Review status: criteria provided, single submitter. Criteria: ACMG Guidelines, 2007. Collection method: clinical testing. Allele origin: germline. Inheritance: Autosomal recessive inheritance.

PreventionGenetics, part of Exact Sciences
Classification: Likely benign for CENPJ-related condition. Last evaluated: 2020-08-19. Review status: no assertion criteria provided. Collection method: clinical testing. Allele origin: germline. Not counted in ClinVar's aggregate classification.
Comment: This variant is classified as likely benign based on ACMG/AMP sequence variant interpretation guidelines (Richards et al. 2015 PMID: 25741868, with internal and published modifications).

NM_018451.5(CPAP):c.175A>G (p.Thr59Ala)

Gene: CPAP (centrosome assembly and centriole elongation protein; minus strand). Cytogenetic location: 13q12.13.
Variant type: single nucleotide variant.
Coding change: c.175A>G on transcript NM_018451.5 (MANE Select); coding-DNA position 175, A replaced by G.
Protein change: p.Thr59Ala; replaces threonine 59 with alanine.
Molecular consequence: missense variant. On other transcripts: non-coding transcript variant (2).
Genome position (GRCh38, 1-based): chr13:24,912,851, T>C on the plus strand (A>G on the coding strand, the complement: CPAP is on the minus strand). VCF-style: chr13-24912851-T-C. GRCh37 (hg19) VCF-style: chr13-25486989-T-C.
Other names: short protein forms T59A.
Identifiers: ClinVar variation 158196 (VCV000158196.24), dbSNP rs138732534, ClinGen allele CA271251.